The following is an entry in ClinVar:

ClinVar aggregate classification (germline): Uncertain significance (1 of 4 stars; one submission).

Submission:

GeneDx
Classification: Uncertain significance. Last evaluated: 2025-04-21. Review status: criteria provided, single submitter. Criteria: GeneDx Variant Classification Process June 2021. Collection method: clinical testing. Allele origin: germline. Affected: yes.
Comment: Not observed at significant frequency in large population cohorts (gnomAD); In silico analysis supports that this missense variant has a deleterious effect on protein structure/function; Has not been previously published as pathogenic or benign to our knowledge

NM_198578.4(LRRK2):c.1193A>T (p.His398Leu)

Gene: LRRK2 (leucine rich repeat kinase 2; plus strand). Cytogenetic location: 12q12.
Variant type: single nucleotide variant.
Coding change: c.1193A>T on transcript NM_198578.4 (MANE Select); coding-DNA position 1193, A replaced by T.
Protein change: p.His398Leu; replaces histidine 398 with leucine.
Molecular consequence: missense variant.
Genome position (GRCh38, 1-based): chr12:40,252,921, A>T. VCF-style: chr12-40252921-A-T. GRCh37 (hg19) VCF-style: chr12-40646723-A-T.
Other names: short protein forms H398L.
Identifiers: ClinVar variation 4527206 (VCV004527206.1).